The following is an entry in ClinVar:

ClinVar aggregate classification (germline): Uncertain significance. Review status: criteria provided, multiple submitters, no conflicts (2 of 4 stars). 2 submissions from 2 submitters: Uncertain significance (2). Last evaluated 2024-12-22.

Conditions:
Inborn genetic diseases. Identifiers: MedGen C0950123, MeSH D030342.

Allele frequency attached by ClinVar (database versions not stated): gnomAD exomes 0.00001.

Submissions (2):

Ambry Genetics
Classification: Uncertain significance for Inborn genetic diseases. Last evaluated: 2024-12-22. Review status: criteria provided, single submitter. Criteria: Ambry Variant Classification Scheme 2023. Collection method: clinical testing. Allele origin: germline.
Comment: The p.L1521F variant (also known as c.4561C>T), located in coding exon 1 of the SAMD9L gene, results from a C to T substitution at nucleotide position 4561. The leucine at codon 1521 is replaced by phenylalanine, an amino acid with highly similar properties. This amino acid position is conserved. In addition, this alteration is predicted to be tolerated by in silico analysis. Based on the available evidence, the clinical significance of this variant remains unclear.

Labcorp Genetics (formerly Invitae), Labcorp
Classification: Uncertain significance. Last evaluated: 2024-09-29. Review status: criteria provided, single submitter. Criteria: Invitae Variant Classification Sherloc (09022015). Collection method: clinical testing. Allele origin: germline.
Comment: This sequence change replaces leucine, which is neutral and non-polar, with phenylalanine, which is neutral and non-polar, at codon 1521 of the SAMD9L protein (p.Leu1521Phe). This variant is present in population databases (no rsID available, gnomAD 0.0009%). This variant has not been reported in the literature in individuals affected with SAMD9L-related conditions. Invitae Evidence Modeling of protein sequence and biophysical properties (such as structural, functional, and spatial information, amino acid conservation, physicochemical variation, residue mobility, and thermodynamic stability) indicates that this missense variant is expected to disrupt SAMD9L protein function with a positive predictive value of 80%. In summary, the available evidence is currently insufficient to determine the role of this variant in disease. Therefore, it has been classified as a Variant of Uncertain Significance.

NM_152703.5(SAMD9L):c.4561C>T (p.Leu1521Phe)

Gene: SAMD9L (sterile alpha motif domain containing 9 like; minus strand). Cytogenetic location: 7q21.2.
Variant type: single nucleotide variant.
Coding change: c.4561C>T on transcript NM_152703.5 (MANE Select); coding-DNA position 4561, C replaced by T.
Protein change: p.Leu1521Phe; replaces leucine 1521 with phenylalanine.
Molecular consequence: missense variant.
Genome position (GRCh38, 1-based): chr7:93,131,411, G>A on the plus strand (C>T on the coding strand, the complement: SAMD9L is on the minus strand). VCF-style: chr7-93131411-G-A. GRCh37 (hg19) VCF-style: chr7-92760724-G-A.
Other names: c.4561C>T (NM_152703.2); c.4561C>T, p.Leu1521Phe (NM_001303496.3, NM_001303497.3, NM_001303498.3 and 5 more transcripts); short protein forms L1521F.
Identifiers: ClinVar variation 2997077 (VCV002997077.4), dbSNP rs1287315275, ClinGen allele CA368170918.